The following is an entry in ClinVar:

NM_016151.4(TAOK2):c.3586C>T (p.Arg1196Trp)

Gene: TAOK2 (TAO kinase 2; plus strand). Cytogenetic location: 16p11.2.
Variant type: single nucleotide variant.
Coding change: c.3586C>T on transcript NM_016151.4 (MANE Select); coding-DNA position 3586, C replaced by T.
Protein change: p.Arg1196Trp; replaces arginine 1196 with tryptophan.
Molecular consequence: missense variant. On other transcripts: intron variant (1).
Genome position (GRCh38, 1-based): chr16:29,987,858, C>T. VCF-style: chr16-29987858-C-T. GRCh37 (hg19) VCF-style: chr16-29999179-C-T.
Other names: c.3247C>T, p.Arg1083Trp (NM_001252043.2); c.2232+1354C>T (NM_004783.4); c.3586C>T (NM_016151.2); short protein forms R1083W, R1196W.
Identifiers: ClinVar variation 1357273 (VCV001357273.7), dbSNP rs777189424, ClinGen allele CA7998600.

ClinVar aggregate classification (germline): Uncertain significance. Review status: criteria provided, multiple submitters, no conflicts (2 of 4 stars). 2 submissions from 2 submitters: Uncertain significance (2). Last evaluated 2026-01-29.

Allele frequency attached by ClinVar (database versions not stated): gnomAD 0.00022 and 0.00024; TOPMed 0.00030.
gnomAD v4.1: 81 of 1,609,544 alleles (0.005%); highest among the groups gnomAD compares: Admixed American, 0.077%; no homozygotes.

Submissions (2):

Labcorp Genetics (formerly Invitae), Labcorp
Classification: Uncertain significance. Last evaluated: 2026-01-29. Review status: criteria provided, single submitter. Criteria: Invitae Variant Classification Sherloc (09022015). Collection method: clinical testing. Allele origin: germline.
Comment: This sequence change replaces arginine, which is basic and polar, with tryptophan, which is neutral and slightly polar, at codon 1196 of the TAOK2 protein (p.Arg1196Trp). This variant is present in population databases (rs777189424, gnomAD 0.04%), and has an allele count higher than expected for a pathogenic variant. This variant has not been reported in the literature in individuals affected with TAOK2-related conditions. ClinVar contains an entry for this variant (Variation ID: 1357273). An algorithm developed to predict the effect of missense changes on protein structure and function (PolyPhen-2) suggests that this variant is likely to be disruptive. In summary, the available evidence is currently insufficient to determine the role of this variant in disease. Therefore, it has been classified as a Variant of Uncertain Significance.

Ambry Genetics
Classification: Uncertain significance. Last evaluated: 2023-10-27. Review status: criteria provided, single submitter. Criteria: Ambry Variant Classification Scheme 2023. Collection method: clinical testing. Allele origin: germline.